The following is an entry in ClinVar:

ClinVar aggregate classification (germline): Uncertain significance (1 of 4 stars; one submission).

Allele frequency attached by ClinVar (database versions not stated): gnomAD exomes 0.00001; TOPMed 0.00001.
gnomAD v4.1: 21 of 1,613,242 alleles (0.0013%); highest among the groups gnomAD compares: Non-Finnish European, 0.0018%; no homozygotes.

Submission:

Labcorp Genetics (formerly Invitae), Labcorp
Classification: Uncertain significance. Last evaluated: 2021-08-26. Review status: criteria provided, single submitter. Criteria: Invitae Variant Classification Sherloc (09022015). Collection method: clinical testing. Allele origin: germline.
Comment: This sequence change replaces serine with asparagine at codon 825 of the FRAS1 protein (p.Ser825Asn). The serine residue is highly conserved and there is a small physicochemical difference between serine and asparagine. This variant is not present in population databases (ExAC no frequency). This variant has not been reported in the literature in individuals affected with FRAS1-related conditions. Algorithms developed to predict the effect of missense changes on protein structure and function are either unavailable or do not agree on the potential impact of this missense change (SIFT: "Deleterious"; PolyPhen-2: "Probably Damaging"; Align-GVGD: "Class C0"). In summary, the available evidence is currently insufficient to determine the role of this variant in disease. Therefore, it has been classified as a Variant of Uncertain Significance.

NM_025074.7(FRAS1):c.2474G>A (p.Ser825Asn)

Gene: FRAS1 (Fraser extracellular matrix complex subunit 1; plus strand). Cytogenetic location: 4q21.21.
Variant type: single nucleotide variant.
Coding change: c.2474G>A on transcript NM_025074.7 (MANE Select); coding-DNA position 2474, G replaced by A.
Protein change: p.Ser825Asn; replaces serine 825 with asparagine.
Molecular consequence: missense variant.
Genome position (GRCh38, 1-based): chr4:78,363,564, G>A. VCF-style: chr4-78363564-G-A. GRCh37 (hg19) VCF-style: chr4-79284718-G-A.
Other names: c.2474G>A, p.Ser825Asn (NM_001166133.2); short protein forms S825N.
Identifiers: ClinVar variation 1500882 (VCV001500882.5), dbSNP rs1731158268, ClinGen allele CA357371668.
Genomic context (GRCh38, chr4:78,363,564, plus strand): 5'-CCCCTCCAGACTGCCATCACCTGTGCCAGCACTGTGCAGCTGATCTCCACAACACTGGGA[G>A]CATCTGCCTCAGGTGCCAGAATGCCCACTACCTGCTGCTCGGGGACCACTGTGTTCCTGA-3'
Protein context (NP_079350.5, residues 815-835): HCAADLHNTG[Ser825Asn]ICLRCQNAHY